The following is an entry in ClinVar:

NM_001844.5(COL2A1):c.3378G>C (p.Glu1126Asp)

Gene: COL2A1 (collagen type II alpha 1 chain; minus strand). Cytogenetic location: 12q13.11.
Variant type: single nucleotide variant.
Coding change: c.3378G>C on transcript NM_001844.5 (MANE Select); coding-DNA position 3378, G replaced by C.
Protein change: p.Glu1126Asp; replaces glutamic acid 1126 with aspartic acid.
Molecular consequence: missense variant.
Genome position (GRCh38, 1-based): chr12:47,976,869, C>G on the plus strand (G>C on the coding strand, the complement: COL2A1 is on the minus strand). VCF-style: chr12-47976869-C-G. GRCh37 (hg19) VCF-style: chr12-48370652-C-G.
Other names: c.3171G>C, p.Glu1057Asp (NM_033150.3); short protein forms E1057D, E1126D.
Identifiers: ClinVar variation 1698340 (VCV001698340.2), dbSNP rs1238436732, ClinGen allele CA384538937.

ClinVar aggregate classification (germline): Uncertain significance (1 of 4 stars; one submission).

Submission:

GeneDx
Classification: Uncertain significance. Last evaluated: 2022-01-24. Review status: criteria provided, single submitter. Criteria: GeneDx Variant Classification Process June 2021. Collection method: clinical testing. Allele origin: germline. Affected: yes.
Comment: Not observed at significant frequency in large population cohorts (gnomAD); In silico analysis supports that this missense variant does not alter protein structure/function; Has not been previously published as pathogenic or benign to our knowledge